The following is an entry in ClinVar:

NM_000202.8(IDS):c.709-2A>G

Genes: IDS (iduronate 2-sulfatase; minus strand), LOC106050102 (IDS recombination region; plus strand). Cytogenetic location: Xq28.
Variant type: single nucleotide variant.
Coding change: c.709-2A>G on transcript NM_000202.8 (MANE Select); the canonical splice acceptor site of the intron before coding-DNA position 709, A replaced by G.
Molecular consequence: splice acceptor variant.
Genome position (GRCh38, 1-based): chrX:149,496,518, T>C on the plus strand (A>G on the coding strand, the complement: IDS is on the minus strand). VCF-style: chrX-149496518-T-C. GRCh37 (hg19) VCF-style: chrX-148578049-T-C.
Other names: c.439-2A>G (NM_001166550.4); c.709-2A>G (NM_006123.5).
Identifiers: ClinVar variation 3255819 (VCV003255819.2).
Genomic context (GRCh38, chrX:149,496,518, plus strand): 5'-GGGACCTCGGGATCGGGGGCCAGGGTGATGTTCTCCAAGGGATACAACTTCTGAAATTCC[T>C]TGGGGAAAAACACAAAGCCACAAAGTTGTCACTCTTTTAGCAAAAGCACAAGCTTGTGGC-3'

ClinVar aggregate classification (germline): Likely pathogenic (1 of 4 stars; one submission).

Conditions:
Mucopolysaccharidosis, MPS-II (MPS2). Also called: Hunter Syndrome; IDURONATE 2-SULFATASE DEFICIENCY; Mucopolysaccharidosis Type II; Mucopolysaccharidosis type 2; Attenuated MPS (subtype; formerly known as mild MPS II); Severe MPS II. Identifiers: Orphanet 580, Orphanet 79388, MedGen C0026705, MONDO:0010674, OMIM 309900.

Submission:

Laboratory of Diagnosis and Therapy of Lysosomal Disorders, University of Padova
Classification: Likely pathogenic for Mucopolysaccharidosis, MPS-II. Last evaluated: 2024-06-07. Review status: criteria provided, single submitter. Criteria: ACMG Guidelines, 2015. Collection method: literature only. Allele origin: germline. Affected: yes. Observed: 3 variant alleles.
Comment: Null variant (PVS1_Strong), Absent from controls (or at low frequency) in gnomAD database (PM2_Moderate), Patient’s phenotype or family history highly specific for the disease (PP4_Moderate)

Classification method: ACMG Guidelines [PMID:25741868] with modifications

Literature cited by the submitters: PubMed 24125893; PubMed 9266380; PubMed 27146977.